The following is an entry in ClinVar:

NM_004004.6(GJB2):c.200A>G (p.His67Arg)

Gene: GJB2 (gap junction protein beta 2; minus strand). Cytogenetic location: 13q12.11.
Variant type: single nucleotide variant.
Coding change: c.200A>G on transcript NM_004004.6 (MANE Select); coding-DNA position 200, A replaced by G.
Protein change: p.His67Arg; replaces histidine 67 with arginine.
Molecular consequence: missense variant.
Genome position (GRCh38, 1-based): chr13:20,189,382, T>C on the plus strand (A>G on the coding strand, the complement: GJB2 is on the minus strand). VCF-style: chr13-20189382-T-C. GRCh37 (hg19) VCF-style: chr13-20763521-T-C.
Other names: c.200A>G (NM_004004.5); short protein forms H67R.
Identifiers: ClinVar variation 2576552 (VCV002576552.5), dbSNP rs527914983, ClinGen allele CA6904303.

ClinVar aggregate classification (germline): Uncertain significance. Review status: criteria provided, multiple submitters, no conflicts (2 of 4 stars). 4 submissions from 4 submitters: Uncertain significance (4). Last evaluated 2024-11-11.

Conditions:
Autosomal dominant nonsyndromic hearing loss 3A. Identifiers: Orphanet 90635, MedGen C2675750, MONDO:0011103, OMIM 601544.

Allele frequency attached by ClinVar (database versions not stated): ExAC 0.00002; TOPMed 0.00002; gnomAD 0.00003.
gnomAD v4.1: 48 of 1,613,992 alleles (0.003%); highest among the groups gnomAD compares: Non-Finnish European, 0.0039%; no homozygotes.

Submissions (4):

GeneDx
Classification: Uncertain significance. Last evaluated: 2024-11-11. Review status: criteria provided, single submitter. Criteria: GeneDx Variant Classification Process June 2021. Collection method: clinical testing. Allele origin: germline. Affected: yes.
Comment: Identified in the heterozygous state in one individual with moderate-severe sensorineural hearing loss, however, family segregation information was not provided, and only the GJB2 gene was sequenced (PMID: 12172394); In silico analysis supports that this missense variant has a deleterious effect on protein structure/function; This variant is associated with the following publications: (PMID: 25388846, 27153395, 15070423, 12910486, 36048236, 12172394)

Labcorp Genetics (formerly Invitae), Labcorp
Classification: Uncertain significance. Last evaluated: 2024-09-04. Review status: criteria provided, single submitter. Criteria: Invitae Variant Classification Sherloc (09022015). Collection method: clinical testing. Allele origin: germline.
Comment: This sequence change replaces histidine, which is basic and polar, with arginine, which is basic and polar, at codon 67 of the GJB2 protein (p.His67Arg). This variant is present in population databases (rs527914983, gnomAD 0.006%). This missense change has been observed in individual(s) with deafness (PMID: 12172394, 17666888). ClinVar contains an entry for this variant (Variation ID: 2576552). Invitae Evidence Modeling of protein sequence and biophysical properties (such as structural, functional, and spatial information, amino acid conservation, physicochemical variation, residue mobility, and thermodynamic stability) indicates that this missense variant is expected to disrupt GJB2 protein function with a positive predictive value of 95%. In summary, the available evidence is currently insufficient to determine the role of this variant in disease. Therefore, it has been classified as a Variant of Uncertain Significance.

Women's Health and Genetics/Laboratory Corporation of America, LabCorp
Classification: Uncertain significance. Last evaluated: 2023-08-15. Review status: criteria provided, single submitter. Criteria: LabCorp Variant Classification Summary - May 2015. Collection method: clinical testing. Allele origin: germline.
Comment: Variant summary: GJB2 c.200A>G (p.His67Arg) results in a non-conservative amino acid change located in the Connexin, N-terminal (IPR013092) of the encoded protein sequence. Three of five in-silico tools predict a damaging effect of the variant on protein function. The variant allele was found at a frequency of 2.4e-05 in 251358 control chromosomes (gnomAD). The available data on variant occurrences in the general population are insufficient to allow any conclusion about variant significance. c.200A>G has been reported in the literature in a heterozygous individual affected with Non-Syndromic Hearing Loss without another variant found (Wu_2002). This report does not provide unequivocal conclusions about association of the variant with Non-Syndromic Hearing Loss. To our knowledge, no experimental evidence demonstrating an impact on protein function has been reported. The following publication has been ascertained in the context of this evaluation (PMID: 12172394). No submitters have cited clinical-significance assessments for this variant to ClinVar after 2014. Based on the evidence outlined above, the variant was classified as uncertain significance.

Institute of Human Genetics, University of Leipzig Medical Center
Classification: Uncertain significance for Autosomal dominant nonsyndromic hearing loss 3A. Last evaluated: 2023-05-08. Review status: criteria provided, single submitter. Criteria: ACMG Guidelines, 2015. Collection method: clinical testing. Allele origin: unknown. Inheritance: Autosomal dominant inheritance. Affected: yes.
Comment: Criteria applied: PP3

Literature cited by the submitters: PubMed 12172394 (cited by Labcorp Genetics (formerly Invitae), Labcorp and Women's Health and Genetics/Laboratory Corporation of America, LabCorp); PubMed 17666888 (cited by Labcorp Genetics (formerly Invitae), Labcorp).